The following is an entry in ClinVar:

NM_000141.5(FGFR2):c.67C>A (p.Pro23Thr)

Gene: FGFR2 (fibroblast growth factor receptor 2; minus strand). Cytogenetic location: 10q26.13.
Variant type: single nucleotide variant.
Coding change: c.67C>A on transcript NM_000141.5 (MANE Select); coding-DNA position 67, C replaced by A.
Protein change: p.Pro23Thr; replaces proline 23 with threonine.
Molecular consequence: missense variant. On other transcripts: non-coding transcript variant (1).
Genome position (GRCh38, 1-based): chr10:121,593,751, G>T on the plus strand (C>A on the coding strand, the complement: FGFR2 is on the minus strand). VCF-style: chr10-121593751-G-T. GRCh37 (hg19) VCF-style: chr10-123353265-G-T.
Other names: c.67C>A, p.Pro23Thr (NM_001144913.1, NM_001144914.1, NM_001144915.2 and 7 more transcripts); short protein forms P23T.
Identifiers: ClinVar variation 1317487 (VCV001317487.5), dbSNP rs1309596973, ClinGen allele CA378327984.

ClinVar aggregate classification (germline): Uncertain significance. Review status: criteria provided, multiple submitters, no conflicts (2 of 4 stars). 4 submissions from 4 submitters: Uncertain significance (4). Last evaluated 2025-07-09.

Conditions:
Acrocephalosyndactyly type I (ACS1). Also called: Apert syndrome; Acrocephalo-syndactyly type 1; ACS 1; Syndactylic oxycephaly. Identifiers: Orphanet 87, MedGen C0001193, MONDO:0007041, OMIM 101200.
Jackson-Weiss syndrome (JWS). Also called: CRANIOSYNOSTOSIS, MIDFACIAL HYPOPLASIA, AND FOOT ABNORMALITIES. Identifiers: Orphanet 1540, MedGen C0795998, MONDO:0007400, OMIM 123150. Disease mechanism: loss of function.
Crouzon syndrome. Also called: Craniofacial dysostosis; Craniofacial dysostosis type 1; Crouzon craniofacial dysostosis; Crouzon disease; CRANIOFACIAL DYSOSTOSIS, TYPE I. Identifiers: Orphanet 207, MedGen C0010273, MeSH D003394, MONDO:0007405, OMIM 123500, HP:0004439.
Bent bone dysplasia syndrome 1 (BBDS1). Also called: FGFR2-related bent bone dysplasia. Identifiers: Orphanet 313855, MedGen C3281247, MONDO:0013815, OMIM 614592.
Gastric cancer. Also called: Malignant tumor of stomach; Stomach cancer. Identifiers: MedGen C0024623, MeSH D013274, MONDO:0001056, OMIM 613659, HP:0012126.
LADD syndrome 1 (LADD1). Also called: Lacrimoauriculodentodigital syndrome 1. Identifiers: MedGen C5774323, MONDO:0100302, OMIM 149730.
Beare-Stevenson cutis gyrata syndrome (BSTVS). Identifiers: Orphanet 1555, MedGen C1852406, MONDO:0007412, OMIM 123790.
Pfeiffer syndrome (ACS5). Also called: ACS V. Identifiers: Orphanet 710, MedGen C0220658, MONDO:0007043, OMIM 101600.
Antley-Bixler syndrome without genital anomalies or disordered steroidogenesis (ABS2). Also called: Trapezoidocephaly synostosis syndrome; Osteodysgenesis, multisynostotic with fractures; Antley-Bixler Syndrome, Autosomal Dominant; MULTISYNOSTOTIC OSTEODYSGENESIS WITH LONG BONE FRACTURES. Identifiers: Orphanet 596008, Orphanet 83, MedGen C2936791, MONDO:0020667, OMIM 207410.
Saethre-Chotzen syndrome (SCS). Also called: ACROCEPHALY, SKULL ASYMMETRY, AND MILD SYNDACTYLY; ACS III; CHOTZEN SYNDROME. Identifiers: Orphanet 794, MedGen C0175699, MONDO:0007042, OMIM 101400.
Familial scaphocephaly syndrome, McGillivray type. Also called: SCAPHOCEPHALY, MAXILLARY RETRUSION, AND IMPAIRED INTELLECTUAL DEVELOPMENT. Identifiers: Orphanet 168624, MedGen C1865070, MONDO:0012307, OMIM 609579.
Inborn genetic diseases. Identifiers: MedGen C0950123, MeSH D030342.
FGFR2-related craniosynostosis. Identifiers: MedGen CN231480.

Allele frequency attached by ClinVar (database versions not stated): gnomAD 0.00001 and 0.00002; gnomAD exomes 0.00001; TOPMed 0.00002.
gnomAD v4.1: 10 of 1,614,190 alleles (0.00062%); highest among the groups gnomAD compares: Admixed American, 0.015%; no homozygotes.

Submissions (4):

Labcorp Genetics (formerly Invitae), Labcorp
Classification: Uncertain significance for FGFR2-related craniosynostosis. Last evaluated: 2025-07-09. Review status: criteria provided, single submitter. Criteria: Invitae Variant Classification Sherloc (09022015). Collection method: clinical testing. Allele origin: germline.
Comment: This sequence change replaces proline, which is neutral and non-polar, with threonine, which is neutral and polar, at codon 23 of the FGFR2 protein (p.Pro23Thr). This variant is present in population databases (no rsID available, gnomAD 0.009%). This variant has not been reported in the literature in individuals affected with FGFR2-related conditions. ClinVar contains an entry for this variant (Variation ID: 1317487). Invitae Evidence Modeling of protein sequence and biophysical properties (such as structural, functional, and spatial information, amino acid conservation, physicochemical variation, residue mobility, and thermodynamic stability) has been performed for this missense variant. However, the output from this modeling did not meet the statistical confidence thresholds required to predict the impact of this variant on FGFR2 protein function. In summary, the available evidence is currently insufficient to determine the role of this variant in disease. Therefore, it has been classified as a Variant of Uncertain Significance.

Ambry Genetics
Classification: Uncertain significance for Inborn genetic diseases. Last evaluated: 2024-12-23. Review status: criteria provided, single submitter. Criteria: Ambry Variant Classification Scheme 2023. Collection method: clinical testing. Allele origin: germline.

Fulgent Genetics
Classification: Uncertain significance for Acrocephalosyndactyly type I; Saethre-Chotzen syndrome; Pfeiffer syndrome; Jackson-Weiss syndrome; Crouzon syndrome; Beare-Stevenson cutis gyrata syndrome; LADD syndrome 1; Antley-Bixler syndrome without genital anomalies or disordered steroidogenesis; Familial scaphocephaly syndrome, McGillivray type; Gastric cancer; Bent bone dysplasia syndrome 1. Last evaluated: 2024-04-12. Review status: criteria provided, single submitter. Criteria: ACMG Guidelines, 2015. Collection method: clinical testing. Allele origin: germline.

GeneDx
Classification: Uncertain significance. Last evaluated: 2021-09-17. Review status: criteria provided, single submitter. Criteria: GeneDx Variant Classification Process June 2021. Collection method: clinical testing. Allele origin: germline. Affected: yes.
Comment: Has not been previously published as pathogenic or benign to our knowledge; In silico analysis, which includes protein predictors and evolutionary conservation, supports a deleterious effect